The following is an entry in ClinVar:

ClinVar aggregate classification (germline): Conflicting classifications of pathogenicity. Review status: criteria provided, conflicting classifications (1 of 4 stars). 4 submissions from 4 submitters: Uncertain significance (3); Likely benign (1). Last evaluated 2024-11-05.

Conditions:
Septo-optic dysplasia sequence (SOD). Also called: Septo-optic dysplasia; DE MORSIER SYNDROME. Identifiers: Orphanet 3157, MedGen C0338503, MONDO:0008428, OMIM 182230, HP:0100842.
GROWTH HORMONE DEFICIENCY WITH PITUITARY ANOMALIES. Identifiers: MedGen C2750027, OMIM 182230.
Inborn genetic diseases. Identifiers: MedGen C0950123, MeSH D030342.

Allele frequency attached by ClinVar (database versions not stated): gnomAD exomes below 0.00001 and 0.00002; gnomAD 0.00001; ExAC 0.00002; TOPMed 0.00003.
gnomAD v4.1: 7 of 1,614,022 alleles (0.00043%); highest among the groups gnomAD compares: Admixed American, 0.005%; no homozygotes.

Submissions (4):

Labcorp Genetics (formerly Invitae), Labcorp
Classification: Uncertain significance for GROWTH HORMONE DEFICIENCY WITH PITUITARY ANOMALIES; Septo-optic dysplasia sequence. Last evaluated: 2024-11-05. Review status: criteria provided, single submitter. Criteria: Invitae Variant Classification Sherloc (09022015). Collection method: clinical testing. Allele origin: germline.
Comment: This sequence change replaces alanine, which is neutral and non-polar, with valine, which is neutral and non-polar, at codon 46 of the HESX1 protein (p.Ala46Val). This variant is present in population databases (rs765587086, gnomAD 0.01%). This variant has not been reported in the literature in individuals affected with HESX1-related conditions. ClinVar contains an entry for this variant (Variation ID: 1044830). An algorithm developed to predict the effect of missense changes on protein structure and function outputs the following: PolyPhen-2: "Benign". The valine amino acid residue is found in multiple mammalian species, which suggests that this missense change does not adversely affect protein function. In summary, the available evidence is currently insufficient to determine the role of this variant in disease. Therefore, it has been classified as a Variant of Uncertain Significance.

Ambry Genetics
Classification: Uncertain significance for Inborn genetic diseases. Last evaluated: 2021-06-29. Review status: criteria provided, single submitter. Criteria: Ambry Variant Classification Scheme 2023. Collection method: clinical testing. Allele origin: germline.

Blueprint Genetics
Classification: Likely benign. Last evaluated: 2019-06-04. Review status: criteria provided, single submitter. Criteria: ACMG Guidelines, 2015. Collection method: clinical testing. Allele origin: germline.

Breakthrough Genomics
Classification: Uncertain significance. Review status: criteria provided, single submitter. Criteria: ACMG Guidelines, 2015. Collection method: not provided. Allele origin: germline. Inheritance: Autosomal recessive inheritance. Affected: yes.

NM_003865.3(HESX1):c.137C>T (p.Ala46Val)

Gene: HESX1 (HESX homeobox 1; minus strand). Cytogenetic location: 3p14.3.
Variant type: single nucleotide variant.
Coding change: c.137C>T on transcript NM_003865.3 (MANE Select); coding-DNA position 137, C replaced by T.
Protein change: p.Ala46Val; replaces alanine 46 with valine.
Molecular consequence: missense variant.
Genome position (GRCh38, 1-based): chr3:57,199,782, G>A on the plus strand (C>T on the coding strand, the complement: HESX1 is on the minus strand). VCF-style: chr3-57199782-G-A. GRCh37 (hg19) VCF-style: chr3-57233810-G-A.
Other names: c.137C>T, p.Ala46Val (NM_001376058.1, NM_001376059.1, NM_001376060.1 and 1 more transcripts); c.137C>T (NM_003865.2); short protein forms A46V.
Identifiers: ClinVar variation 1044830 (VCV001044830.9), dbSNP rs765587086, ClinGen allele CA2463324.